The following is an entry in ClinVar:

NM_004984.4(KIF5A):c.2492C>T (p.Ser831Phe)

Gene: KIF5A (kinesin family member 5A; plus strand). Cytogenetic location: 12q13.3.
Variant type: single nucleotide variant.
Coding change: c.2492C>T on transcript NM_004984.4 (MANE Select); coding-DNA position 2492, C replaced by T.
Protein change: p.Ser831Phe; replaces serine 831 with phenylalanine.
Molecular consequence: missense variant.
Genome position (GRCh38, 1-based): chr12:57,578,296, C>T. VCF-style: chr12-57578296-C-T. GRCh37 (hg19) VCF-style: chr12-57972079-C-T.
Other names: c.2225C>T, p.Ser742Phe (NM_001354705.2); short protein forms S831F, S742F.
Identifiers: ClinVar variation 161628 (VCV000161628.5), dbSNP rs193920755, ClinGen allele CA174489.

ClinVar aggregate classification (germline): Uncertain significance. Review status: criteria provided, single submitter (1 of 4 stars). 2 submissions from 2 submitters: Uncertain significance (1). 1 of the submissions does not count toward it. Last evaluated 2023-11-24.

Conditions:
Spastic paraplegia. Identifiers: MedGen C0037772, HP:0001258.
Prostate cancer. Also called: Malignant tumor of prostate. Identifiers: Orphanet 1331, MedGen C0376358, MONDO:0008315, HP:0012125.

Allele frequency attached by ClinVar (database versions not stated): gnomAD exomes below 0.00001.
gnomAD v4.1: 2 of 1,614,058 alleles (0.00012%); highest among the groups gnomAD compares: African/African-American, 0.0027%; no homozygotes.

Submissions (2):

Labcorp Genetics (formerly Invitae), Labcorp
Classification: Uncertain significance for Spastic paraplegia. Last evaluated: 2023-11-24. Review status: criteria provided, single submitter. Criteria: Invitae Variant Classification Sherloc (09022015). Collection method: clinical testing. Allele origin: germline.
Comment: This sequence change replaces serine, which is neutral and polar, with phenylalanine, which is neutral and non-polar, at codon 831 of the KIF5A protein (p.Ser831Phe). This variant is not present in population databases (gnomAD no frequency). This variant has not been reported in the literature in individuals affected with KIF5A-related conditions. ClinVar contains an entry for this variant (Variation ID: 161628). Advanced modeling of protein sequence and biophysical properties (such as structural, functional, and spatial information, amino acid conservation, physicochemical variation, residue mobility, and thermodynamic stability) has been performed at Invitae for this missense variant, however the output from this modeling did not meet the statistical confidence thresholds required to predict the impact of this variant on KIF5A protein function. In summary, the available evidence is currently insufficient to determine the role of this variant in disease. Therefore, it has been classified as a Variant of Uncertain Significance.

Science for Life laboratory,  Karolinska Institutet
Classification: Uncertain significance for Malignant tumor of prostate. Review status: no assertion criteria provided. Collection method: not provided. Allele origin: somatic. Not counted in ClinVar's aggregate classification.
Comment: TumorID:SWE-1
ClinVar note: Converted during submission from Unknown to Uncertain significance.